The following is an entry in ClinVar:

NM_170606.3(KMT2C):c.10207C>T (p.Arg3403Cys)

Gene: KMT2C (lysine methyltransferase 2C; minus strand). Cytogenetic location: 7q36.1.
Variant type: single nucleotide variant.
Coding change: c.10207C>T on transcript NM_170606.3 (MANE Select); coding-DNA position 10207, C replaced by T.
Protein change: p.Arg3403Cys; replaces arginine 3403 with cysteine.
Molecular consequence: missense variant.
Genome position (GRCh38, 1-based): chr7:152,163,370, G>A on the plus strand (C>T on the coding strand, the complement: KMT2C is on the minus strand). VCF-style: chr7-152163370-G-A. GRCh37 (hg19) VCF-style: chr7-151860455-G-A.
Other names: c.10207C>T (NM_170606.2); short protein forms R3403C.
Identifiers: ClinVar variation 1679628 (VCV001679628.4), dbSNP rs201762858, ClinGen allele CA169231585.

ClinVar aggregate classification (germline): Conflicting classifications of pathogenicity. Review status: criteria provided, conflicting classifications (1 of 4 stars). 3 submissions from 3 submitters: Uncertain significance (1); Likely benign (2). Last evaluated 2026-09-10.

Conditions:
KMT2C-related disorder. Also called: KMT2C-related condition; KMT2C-related disorders.
Kleefstra syndrome 2 (KLEFS2). Identifiers: MedGen C4540395, MONDO:0054701, OMIM 617768.

Allele frequency attached by ClinVar (database versions not stated): gnomAD 0.00001; gnomAD exomes 0.00001; TOPMed 0.00001.
gnomAD v4.1: 19 of 1,614,004 alleles (0.0012%); highest among the groups gnomAD compares: South Asian, 0.0022%; no homozygotes.

Submissions (3):

PreventionGenetics, part of Exact Sciences
Classification: Likely benign for KMT2C-related condition. Last evaluated: 2026-09-10. Review status: criteria provided, single submitter. Criteria: ACMG Guidelines, 2015. Collection method: clinical testing. Allele origin: germline.
Comment: This variant is classified as likely benign based on ACMG/AMP sequence variant interpretation guidelines (Richards et al. 2015 PMID: 25741868, with internal and published modifications).

Labcorp Genetics (formerly Invitae), Labcorp
Classification: Likely benign. Last evaluated: 2024-03-13. Review status: criteria provided, single submitter. Criteria: Invitae Variant Classification Sherloc (09022015). Collection method: clinical testing. Allele origin: germline.

New York Genome Center
Classification: Uncertain significance for Kleefstra syndrome 2. Last evaluated: 2021-04-23. Review status: criteria provided, single submitter. Criteria: NYGC Assertion Criteria 2020. Collection method: clinical testing. Allele origin: germline. Observed: 1 heterozygote. Study: CSER-NYCKidSeq.
Comment: The heterozygous c.10207C>T (p.Arg3403Cys) variant identified in the KMT2C gene substitutes a well conserved Arginine for Cystine at amino acid 3403/4912 (exon 43/59). This variant is found with low frequency in gnomAD(v3.1.1) (2 heterozygotes, 0 homozygotes; allele frequency: 1.32e-5) suggesting it is not a common benign variant in the populations represented in that database. In silico algorithms predict this variant to be Damaging (SIFT; score:0.00) and Benign (REVEL; score:0.572) to the function of the canonical transcript. This variant is absent from ClinVar and to our current knowledge has not been reported in individuals affected with Kleefstra Syndrome in the literature. The p.Arg3403 residue is not within a mapped domain of KMT2C (UniProtKB:Q8NEZ4). Given the lack of compelling evidence for its pathogenicity, the heterozygous c.10207C>T (p.Arg3403Cys) variant identified in the KMT2C gene is reported as a Variant of Uncertain Significance.